The following is an entry in ClinVar:

NM_001042545.2(LTBP4):c.3486T>C (p.Ala1162=)

Gene: LTBP4 (latent transforming growth factor beta binding protein 4; plus strand). Cytogenetic location: 19q13.2.
Variant type: single nucleotide variant.
Coding change: c.3486T>C on transcript NM_001042545.2 (MANE Select); coding-DNA position 3486, T replaced by C.
Protein change: p.Ala1162=; no amino-acid change (alanine 1162 retained).
Molecular consequence: synonymous variant.
Genome position (GRCh38, 1-based): chr19:40,622,951, T>C. VCF-style: chr19-40622951-T-C. GRCh37 (hg19) VCF-style: chr19-41128856-T-C.
Other names: c.3687T>C, p.Ala1229= (NM_001042544.1); c.3576T>C, p.Ala1192= (NM_003573.2).
Identifiers: ClinVar variation 3777909 (VCV003777909.7).

ClinVar aggregate classification (germline): Likely benign (1 of 4 stars; one submission).

gnomAD v4.1: 4 of 1,613,058 alleles (0.00025%); highest among the groups gnomAD compares: Admixed American, 0.0017%; no homozygotes.

Submission:

CeGaT Center for Human Genetics Tuebingen
Classification: Likely benign. Last evaluated: 2025-03-01. Review status: criteria provided, single submitter. Criteria: CeGaT Center For Human Genetics Tuebingen Variant Classification Criteria Version 2. Collection method: clinical testing. Allele origin: germline. Affected: yes. Observed: 1 variant allele.
Comment: LTBP4: BP4, BP7